The following is an entry in ClinVar:

NM_014476.6(PDLIM3):c.93+16C>A

Gene: PDLIM3 (PDZ and LIM domain 3; minus strand). Cytogenetic location: 4q35.1.
Variant type: single nucleotide variant.
Coding change: c.93+16C>A on transcript NM_014476.6 (MANE Select); 16 bases into the intron after coding-DNA position 93, C replaced by A.
Molecular consequence: intron variant.
Genome position (GRCh38, 1-based): chr4:185,535,326, G>T on the plus strand (C>A on the coding strand, the complement: PDLIM3 is on the minus strand). VCF-style: chr4-185535326-G-T. GRCh37 (hg19) VCF-style: chr4-186456480-G-T.
Other names: c.93+16C>A (NM_001257963.2, NM_001257962.2, NM_001114107.5).
Identifiers: ClinVar variation 517793 (VCV000517793.4), dbSNP rs557718466, ClinGen allele CA3159914.

ClinVar aggregate classification (germline): Likely benign. Review status: criteria provided, multiple submitters, no conflicts (2 of 4 stars). 2 submissions from 2 submitters: Likely benign (2). Last evaluated 2025-03-19.

Conditions:
Primary dilated cardiomyopathy (DCM). Also called: Dilated Cardiomyopathy. Identifiers: Orphanet 217604, MedGen C0007193, MeSH D002311, MONDO:0005021, HP:0001644. Inheritance: Various modes of inheritance.
Hypertrophic cardiomyopathy. Also called: HYPERTROPHIC MYOCARDIOPATHY. Identifiers: Orphanet 217569, MedGen C0007194, MeSH D002312, MONDO:0005045, HP:0001639.

Allele frequency attached by ClinVar (database versions not stated): gnomAD below 0.00001 and 0.00005; TOPMed below 0.00001; gnomAD exomes 0.00009 and 0.00022; 1000 Genomes Project 30x 0.00016; 1000 Genomes Project 0.00020; ExAC 0.00047.
gnomAD v4.1: 134 of 1,598,508 alleles (0.0084%); highest among the groups gnomAD compares: South Asian, 0.15%; 1 homozygote.

Submissions (2):

Labcorp Genetics (formerly Invitae), Labcorp
Classification: Likely benign for Hypertrophic cardiomyopathy; Primary dilated cardiomyopathy. Last evaluated: 2025-03-19. Review status: criteria provided, single submitter. Criteria: Invitae Variant Classification Sherloc (09022015). Collection method: clinical testing. Allele origin: germline.

GeneDx
Classification: Likely benign. Last evaluated: 2017-03-14. Review status: criteria provided, single submitter. Criteria: GeneDx Variant Classification (06012015). Collection method: clinical testing. Allele origin: germline. Affected: yes.
Comment: This variant is considered likely benign or benign based on one or more of the following criteria: it is a conservative change, it occurs at a poorly conserved position in the protein, it is predicted to be benign by multiple in silico algorithms, and/or has population frequency not consistent with disease.